The following is an entry in ClinVar:

NM_001349253.2(SCN11A):c.673del (p.Arg225fs)

Gene: SCN11A (sodium voltage-gated channel alpha subunit 11; minus strand). Cytogenetic location: 3p22.2.
Variant type: Deletion.
Coding change: c.673del on transcript NM_001349253.2 (MANE Select); coding-DNA position 673, one base deleted (C; older notation c.673delC).
Protein change: p.Arg225fs; shifts the reading frame from arginine 225.
Molecular consequence: frameshift variant.
Genome position (GRCh38, 1-based): chr3:38,925,454, G deleted on the plus strand (C on the coding strand, the reverse complement: SCN11A is on the minus strand); the first of 2 consecutive G bases (chr3:38,925,454-38,925,455); deleting either gives the same sequence. VCF-style (leftmost placement, unchanged base first): chr3-38925453-CG-C. GRCh37 (hg19) VCF-style: chr3-38966944-CG-C.
Other names: c.673delC (NM_014139.2); c.673del, p.Arg225fs (NM_014139.3); short protein forms R225fs.
Identifiers: ClinVar variation 579947 (VCV000579947.5), dbSNP rs1559535757, ClinGen allele CA891843097.

ClinVar aggregate classification (germline): Uncertain significance (1 of 4 stars; one submission).

Conditions:
Hereditary sensory and autonomic neuropathy type 7. Also called: HSAN VII; Neuropathy, hereditary sensory and autonomic, type VII. Identifiers: Orphanet 391397, MedGen C3809882, MONDO:0014244, OMIM 615548.
Familial episodic pain syndrome with predominantly lower limb involvement. Also called: Episodic pain syndrome, familial, 3. Identifiers: Orphanet 391384, Orphanet 391392, MedGen C3809899, MONDO:0014247, OMIM 615552.

Submission:

Labcorp Genetics (formerly Invitae), Labcorp
Classification: Uncertain significance for Familial episodic pain syndrome with predominantly lower limb involvement; Hereditary sensory and autonomic neuropathy type 7. Last evaluated: 2022-06-25. Review status: criteria provided, single submitter. Criteria: Invitae Variant Classification Sherloc (09022015). Collection method: clinical testing. Allele origin: germline.
Comment: This sequence change creates a premature translational stop signal (p.Arg225Valfs*6) in the SCN11A gene. It is expected to result in an absent or disrupted protein product. However, the current clinical and genetic evidence is not sufficient to establish whether loss-of-function variants in SCN11A cause disease. This variant is not present in population databases (gnomAD no frequency). ClinVar contains an entry for this variant (Variation ID: 579947). This variant has not been reported in the literature in individuals affected with SCN11A-related conditions. Algorithms developed to predict the effect of sequence changes on RNA splicing suggest that this variant may create or strengthen a splice site. In summary, the available evidence is currently insufficient to determine the role of this variant in disease. Therefore, it has been classified as a Variant of Uncertain Significance.